The following is an entry in ClinVar:

NM_000535.7(PMS2):c.2006+10T>A

Gene: PMS2 (PMS1 homolog 2, mismatch repair system component; minus strand). Cytogenetic location: 7p22.1.
Variant type: single nucleotide variant.
Coding change: c.2006+10T>A on transcript NM_000535.7 (MANE Select); 10 bases into the intron after coding-DNA position 2006, T replaced by A.
Molecular consequence: intron variant.
Genome position (GRCh38, 1-based): chr7:5,986,749, A>T on the plus strand (T>A on the coding strand, the complement: PMS2 is on the minus strand). VCF-style: chr7-5986749-A-T. GRCh37 (hg19) VCF-style: chr7-6026380-A-T.
Other names: c.1688+10T>A (NM_001322008.2, NM_001406883.1, NM_001406903.1 and 2 more transcripts); c.1697+10T>A (NM_001406881.1, NM_001406879.1, NM_001322015.2 and 5 more transcripts); c.1601+10T>A (NM_001406895.1, NM_001322004.2, NM_001406889.1 and 16 more transcripts); c.1235+10T>A (NM_001406911.1); c.1445+10T>A (NM_001322010.2, NM_001406906.1, NM_001406907.1); c.1532+10T>A (NM_001406902.1, NM_001406901.1); c.1493+10T>A (NM_001406904.1, NM_001406905.1); c.1433+10T>A (NM_001322013.2, NM_001406909.1); and 13 more.
Identifiers: ClinVar variation 3903715 (VCV003903715.1).

ClinVar aggregate classification (germline): Likely benign (1 of 4 stars; one submission).

Conditions:
Lynch syndrome 4 (LYNCH4). Also called: Colorectal cancer, hereditary nonpolyposis, type 4; Hereditary non-polyposis colorectal cancer, type 4. Identifiers: Orphanet 144, MedGen C1838333, MONDO:0013699, OMIM 614337. Disease mechanism: loss of function.

Submission:

Myriad Genetics, Inc.
Classification: Likely benign for Lynch syndrome 4. Last evaluated: 2025-02-03. Review status: criteria provided, single submitter. Criteria: Myriad Autosomal Dominant, Autosomal Recessive and X-Linked Classification Criteria (2023). Collection method: clinical testing. Allele origin: unknown.
Comment: This variant is considered likely benign. This variant is intronic and is not expected to impact mRNA splicing.